The following is an entry in ClinVar:

NM_007055.4(POLR3A):c.1882G>T (p.Gly628Trp)

Gene: POLR3A (RNA polymerase III subunit A; minus strand). Cytogenetic location: 10q22.3.
Variant type: single nucleotide variant.
Coding change: c.1882G>T on transcript NM_007055.4 (MANE Select); coding-DNA position 1882, G replaced by T.
Protein change: p.Gly628Trp; replaces glycine 628 with tryptophan.
Molecular consequence: missense variant.
Genome position (GRCh38, 1-based): chr10:78,009,564, C>A on the plus strand (G>T on the coding strand, the complement: POLR3A is on the minus strand). VCF-style: chr10-78009564-C-A. GRCh37 (hg19) VCF-style: chr10-79769322-C-A.
Other names: short protein forms G628W.
Identifiers: ClinVar variation 1411615 (VCV001411615.6), dbSNP rs371073485, ClinGen allele CA377340651.

ClinVar aggregate classification (germline): Uncertain significance (1 of 4 stars; one submission).

Submission:

Labcorp Genetics (formerly Invitae), Labcorp
Classification: Uncertain significance. Last evaluated: 2022-07-19. Review status: criteria provided, single submitter. Criteria: Invitae Variant Classification Sherloc (09022015). Collection method: clinical testing. Allele origin: germline.
Comment: In summary, the available evidence is currently insufficient to determine the role of this variant in disease. Therefore, it has been classified as a Variant of Uncertain Significance. Algorithms developed to predict the effect of missense changes on protein structure and function are either unavailable or do not agree on the potential impact of this missense change (SIFT: "Deleterious"; PolyPhen-2: "Possibly Damaging"; Align-GVGD: "Class C0"). ClinVar contains an entry for this variant (Variation ID: 1411615). This variant has not been reported in the literature in individuals affected with POLR3A-related conditions. This variant is not present in population databases (gnomAD no frequency). This sequence change replaces glycine, which is neutral and non-polar, with tryptophan, which is neutral and slightly polar, at codon 628 of the POLR3A protein (p.Gly628Trp).